The following is an entry in ClinVar:

NM_006828.4(ASCC3):c.4345A>G (p.Ile1449Val)

Gene: ASCC3 (activating signal cointegrator 1 complex subunit 3; minus strand). Cytogenetic location: 6q16.3.
Variant type: single nucleotide variant.
Coding change: c.4345A>G on transcript NM_006828.4 (MANE Select); coding-DNA position 4345, A replaced by G.
Protein change: p.Ile1449Val; replaces isoleucine 1449 with valine.
Molecular consequence: missense variant.
Genome position (GRCh38, 1-based): chr6:100,629,045, T>C on the plus strand (A>G on the coding strand, the complement: ASCC3 is on the minus strand). VCF-style: chr6-100629045-T-C. GRCh37 (hg19) VCF-style: chr6-101076921-T-C.
Other names: short protein forms I1449V.
Identifiers: ClinVar variation 3372150 (VCV003372150.2).

ClinVar aggregate classification (germline): Uncertain significance. Review status: criteria provided, multiple submitters, no conflicts (2 of 4 stars). 2 submissions from 2 submitters: Uncertain significance (2). Last evaluated 2024-11-25.

Conditions:
Inborn genetic diseases. Identifiers: MedGen C0950123, MeSH D030342.

gnomAD v4.1: 48 of 1,613,730 alleles (0.003%); highest among the groups gnomAD compares: Middle Eastern, 0.067%; no homozygotes.

Submissions (2):

Ambry Genetics
Classification: Uncertain significance for Inborn genetic diseases. Last evaluated: 2024-11-25. Review status: criteria provided, single submitter. Criteria: Ambry Variant Classification Scheme 2023. Collection method: clinical testing. Allele origin: germline.

GeneDx
Classification: Uncertain significance. Last evaluated: 2024-04-16. Review status: criteria provided, single submitter. Criteria: GeneDx Variant Classification Process June 2021. Collection method: clinical testing. Allele origin: germline. Affected: yes.
Comment: In silico analysis indicates that this missense variant does not alter protein structure/function; Has not been previously published as pathogenic or benign to our knowledge